The following is an entry in ClinVar:

NM_001854.4(COL11A1):c.4186G>A (p.Gly1396Ser)

Gene: COL11A1 (collagen type XI alpha 1 chain; minus strand). Cytogenetic location: 1p21.1.
Variant type: single nucleotide variant.
Coding change: c.4186G>A on transcript NM_001854.4 (MANE Select); coding-DNA position 4186, G replaced by A.
Protein change: p.Gly1396Ser; replaces glycine 1396 with serine.
Molecular consequence: missense variant. On other transcripts: non-coding transcript variant (1).
Genome position (GRCh38, 1-based): chr1:102,898,728, C>T on the plus strand (G>A on the coding strand, the complement: COL11A1 is on the minus strand). VCF-style: chr1-102898728-C-T. GRCh37 (hg19) VCF-style: chr1-103364284-C-T.
Other names: c.4222G>A, p.Gly1408Ser (NM_080629.3); c.3838G>A, p.Gly1280Ser (NM_080630.4, NM_001168249.1); c.4069G>A, p.Gly1357Ser (NM_001190709.2); short protein forms G1357S, G1396S, G1408S, G1280S.
Identifiers: ClinVar variation 2976380 (VCV002976380.7), dbSNP rs763199410, ClinGen allele CA973637.

ClinVar aggregate classification (germline): Conflicting classifications of pathogenicity. Review status: criteria provided, conflicting classifications (1 of 4 stars). 3 submissions from 3 submitters: Uncertain significance (2); Likely benign (1). Last evaluated 2025-03-19.

Conditions:
Hearing loss, autosomal dominant 37. Also called: DEAFNESS, AUTOSOMAL DOMINANT 37. Identifiers: MedGen C4760307, MONDO:0032802, OMIM 618533.
Intervertebral disc disorder (IDD). Also called: INTERVERTEBRAL DISC DISEASE; Lumbar disk degenerative disorder. Identifiers: MedGen C0158252, MONDO:0044339, OMIM 603932.
Marshall syndrome (MRSHS). Identifiers: Orphanet 560, MedGen C0265235, MONDO:0007949, OMIM 154780.
Stickler syndrome type 2 (STL2). Also called: STICKLER SYNDROME, TYPE II; COL11A1-Related Stickler Syndrome; STICKLER SYNDROME, BEADED VITREOUS TYPE; STICKLER SYNDROME, VITREOUS TYPE 2. Identifiers: Orphanet 828, Orphanet 90654, MedGen C1858084, MONDO:0011493, OMIM 604841.
Fibrochondrogenesis 1 (FBCG1). Identifiers: Orphanet 2021, MedGen C3278138, MONDO:0009226, OMIM 228520.

Allele frequency attached by ClinVar (database versions not stated): gnomAD 0.00001; ExAC 0.00003; gnomAD exomes 0.00009.
gnomAD v4.1: 124 of 1,612,886 alleles (0.0077%); highest among the groups gnomAD compares: South Asian, 0.044%; no homozygotes.

Submissions (3):

Labcorp Genetics (formerly Invitae), Labcorp
Classification: Likely benign. Last evaluated: 2025-03-19. Review status: criteria provided, single submitter. Criteria: Invitae Variant Classification Sherloc (09022015). Collection method: clinical testing. Allele origin: germline.

Women's Health and Genetics/Laboratory Corporation of America, LabCorp
Classification: Uncertain significance. Last evaluated: 2024-02-15. Review status: criteria provided, single submitter. Criteria: LabCorp Variant Classification Summary - May 2015. Collection method: clinical testing. Allele origin: germline.
Comment: Variant summary: COL11A1 c.4186G>A (p.Gly1396Ser) results in a non-conservative amino acid change in the encoded protein sequence. Four of five in-silico tools predict a damaging effect of the variant on protein function. The variant allele was found at a frequency of 5.6e-05 in 251300 control chromosomes, predominantly at a frequency of 0.00042 within the South Asian subpopulation in the gnomAD database. To our knowledge, no occurrence of c.4186G>A in individuals affected with Stickler Syndrome and no experimental evidence demonstrating its impact on protein function have been reported. No submitters have cited clinical-significance assessments for this variant to ClinVar. Based on the evidence outlined above, the variant was classified as uncertain significance.

Juno Genomics, Hangzhou Juno Genomics, Inc
Classification: Uncertain significance for Intervertebral disc disorder; Hearing loss, autosomal dominant 37; Fibrochondrogenesis 1; Marshall syndrome; Stickler syndrome type 2. Review status: criteria provided, single submitter. Criteria: ACMG Guidelines, 2015. Collection method: clinical testing. Allele origin: germline. Affected: yes.
Comment: Absent from controls (or at extremely low frequency if recessive) in Genome Aggregation Database, Exome Sequencing Project, 1000 Genomes Project, or Exome Aggregation Consortium.;Multiple lines of computational evidence support a deleterious effect on the gene or gene product (conservation, evolutionary, splicing impact, etc).